The following is an entry in ClinVar:

NM_015702.3(MMADHC):c.414A>C (p.Glu138Asp)

Gene: MMADHC (metabolism of cobalamin associated D; minus strand). Cytogenetic location: 2q23.2.
Variant type: single nucleotide variant.
Coding change: c.414A>C on transcript NM_015702.3 (MANE Select); coding-DNA position 414, A replaced by C.
Protein change: p.Glu138Asp; replaces glutamic acid 138 with aspartic acid.
Molecular consequence: missense variant.
Genome position (GRCh38, 1-based): chr2:149,576,501, T>G on the plus strand (A>C on the coding strand, the complement: MMADHC is on the minus strand). VCF-style: chr2-149576501-T-G. GRCh37 (hg19) VCF-style: chr2-150433015-T-G.
Other names: short protein forms E138D.
Identifiers: ClinVar variation 1016695 (VCV001016695.9), dbSNP rs113390214, ClinGen allele CA1902412.

ClinVar aggregate classification (germline): Uncertain significance. Review status: criteria provided, single submitter (1 of 4 stars). 2 submissions from 2 submitters: Uncertain significance (1). 1 of the submissions does not count toward it. Last evaluated 2024-11-11.

Conditions:
Methylmalonic aciduria and homocystinuria type cblD (MAHCD). Also called: Methylmalonic aciduria with homocystinuria cblD type; METHYLMALONIC ACIDEMIA, cblH TYPE. Identifiers: Orphanet 622, Orphanet 79283, MedGen C1848552, MONDO:0010185, OMIM 277410.

Allele frequency attached by ClinVar (database versions not stated): gnomAD exomes 0.00006 and 0.00010; ExAC 0.00014; 1000 Genomes Project 30x 0.00016; 1000 Genomes Project 0.00020; gnomAD 0.00052 and 0.00055; TOPMed 0.00060; ESP Exome Variant Server 0.00062.

Submissions (2):

Labcorp Genetics (formerly Invitae), Labcorp
Classification: Uncertain significance for Methylmalonic aciduria and homocystinuria type cblD. Last evaluated: 2024-11-11. Review status: criteria provided, single submitter. Criteria: Invitae Variant Classification Sherloc (09022015). Collection method: clinical testing. Allele origin: germline.
Comment: This sequence change replaces glutamic acid, which is acidic and polar, with aspartic acid, which is acidic and polar, at codon 138 of the MMADHC protein (p.Glu138Asp). This variant is present in population databases (rs113390214, gnomAD 0.1%). This variant has not been reported in the literature in individuals affected with MMADHC-related conditions. ClinVar contains an entry for this variant (Variation ID: 1016695). Invitae Evidence Modeling of protein sequence and biophysical properties (such as structural, functional, and spatial information, amino acid conservation, physicochemical variation, residue mobility, and thermodynamic stability) indicates that this missense variant is not expected to disrupt MMADHC protein function with a negative predictive value of 80%. In summary, the available evidence is currently insufficient to determine the role of this variant in disease. Therefore, it has been classified as a Variant of Uncertain Significance.

Natera, Inc.
Classification: Uncertain significance for Methylmalonic aciduria with homocystinuria cblD type. Last evaluated: 2020-01-24. Review status: no assertion criteria provided. Collection method: clinical testing. Allele origin: germline. Not counted in ClinVar's aggregate classification.